The following is an entry in ClinVar:

ClinVar aggregate classification (germline): Conflicting classifications of pathogenicity. Review status: criteria provided, conflicting classifications (1 of 4 stars). 3 submissions from 3 submitters: Uncertain significance (2); Likely benign (1). Last evaluated 2026-08-01.

Conditions:
Erythrocytosis, familial, 3 (ECYT3). Identifiers: Orphanet 247511, MedGen C1853286, MONDO:0012353, OMIM 609820.

Allele frequency attached by ClinVar (database versions not stated): gnomAD exomes 0.00001; ExAC 0.00002.
gnomAD v4.1: 9 of 1,609,754 alleles (0.00056%); highest among the groups gnomAD compares: African/African-American, 0.008%; no homozygotes.

Submissions (3):

CeGaT Center for Human Genetics Tuebingen
Classification: Likely benign. Last evaluated: 2026-08-01. Review status: criteria provided, single submitter. Criteria: CeGaT Center For Human Genetics Tuebingen Variant Classification Criteria Version 2. Collection method: clinical testing. Allele origin: germline. Affected: yes. Observed: 1 variant allele.
Comment: EGLN1: BP4

Labcorp Genetics (formerly Invitae), Labcorp
Classification: Uncertain significance for Erythrocytosis, familial, 3. Last evaluated: 2025-11-27. Review status: criteria provided, single submitter. Criteria: Invitae Variant Classification Sherloc (09022015). Collection method: clinical testing. Allele origin: germline.
Comment: This sequence change replaces glycine, which is neutral and non-polar, with valine, which is neutral and non-polar, at codon 178 of the EGLN1 protein (p.Gly178Val). This variant is present in population databases (rs765865681, gnomAD 0.009%). This variant has not been reported in the literature in individuals affected with EGLN1-related conditions. ClinVar contains an entry for this variant (Variation ID: 1746928). An algorithm developed to predict the effect of missense changes on protein structure and function (PolyPhen-2) suggests that this variant is likely to be tolerated. In summary, the available evidence is currently insufficient to determine the role of this variant in disease. Therefore, it has been classified as a Variant of Uncertain Significance.

Ambry Genetics
Classification: Uncertain significance. Last evaluated: 2025-05-15. Review status: criteria provided, single submitter. Criteria: Ambry Variant Classification Scheme 2023. Collection method: clinical testing. Allele origin: germline.
Comment: The p.G178V variant (also known as c.533G>T), located in coding exon 1 of the EGLN1 gene, results from a G to T substitution at nucleotide position 533. The glycine at codon 178 is replaced by valine, an amino acid with dissimilar properties. This amino acid position is conserved. In addition, this alteration is predicted to be tolerated by in silico analysis. Since supporting evidence is limited at this time, the clinical significance of this alteration remains unclear.

NM_022051.3(EGLN1):c.533G>T (p.Gly178Val)

Gene: EGLN1 (egl-9 family hypoxia inducible factor 1; minus strand). Cytogenetic location: 1q42.2.
Variant type: single nucleotide variant.
Coding change: c.533G>T on transcript NM_022051.3 (MANE Select); coding-DNA position 533, G replaced by T.
Protein change: p.Gly178Val; replaces glycine 178 with valine.
Molecular consequence: missense variant.
Genome position (GRCh38, 1-based): chr1:231,421,356, C>A on the plus strand (G>T on the coding strand, the complement: EGLN1 is on the minus strand). VCF-style: chr1-231421356-C-A. GRCh37 (hg19) VCF-style: chr1-231557102-C-A.
Other names: c.533G>T, p.Gly178Val (NM_001377260.1, NM_001377261.1); short protein forms G178V.
Identifiers: ClinVar variation 1746928 (VCV001746928.6), dbSNP rs765865681, ClinGen allele CA1453153.